The following is an entry in ClinVar:

ClinVar aggregate classification (germline): Uncertain significance (1 of 4 stars; one submission).

Conditions:
Peutz-Jeghers syndrome (PJS). Also called: POLYPOSIS, HAMARTOMATOUS INTESTINAL; POLYPS-AND-SPOTS SYNDROME; Peutz-Jeghers polyposis; Periorificial lentiginosis syndrome. Identifiers: Orphanet 2869, MedGen C0031269, MeSH D010580, MONDO:0008280, OMIM 175200.

Submission:

Labcorp Genetics (formerly Invitae), Labcorp
Classification: Uncertain significance for Peutz-Jeghers syndrome. Last evaluated: 2024-02-15. Review status: criteria provided, single submitter. Criteria: Invitae Variant Classification Sherloc (09022015). Collection method: clinical testing. Allele origin: germline.
Comment: This sequence change results in a frameshift in the STK11 gene (p.Ile424Serfs*83). While this is not anticipated to result in nonsense mediated decay, it is expected to disrupt the last 10 amino acid(s) of the STK11 protein and extend the protein by 72 additional amino acid residues. This variant is not present in population databases (gnomAD no frequency). This variant has not been reported in the literature in individuals affected with STK11-related conditions. Experimental studies and prediction algorithms are not available or were not evaluated, and the functional significance of this variant is currently unknown. In summary, the available evidence is currently insufficient to determine the role of this variant in disease. Therefore, it has been classified as a Variant of Uncertain Significance.

NM_000455.5(STK11):c.1271_1280del (p.Ile424fs)

Gene: STK11 (serine/threonine kinase 11; plus strand). Cytogenetic location: 19p13.3.
Variant type: Deletion.
Coding change: c.1271_1280del on transcript NM_000455.5 (MANE Select); coding-DNA positions 1271 to 1280, 10 bases deleted (TCCGCCGGCT; older notation c.1271_1280delTCCGCCGGCT).
Protein change: p.Ile424fs; shifts the reading frame from isoleucine 424.
Molecular consequence: frameshift variant. On other transcripts: non-coding transcript variant (1).
Genome position (GRCh38, 1-based): chr19:1,226,616-1,226,625, TCCGCCGGCT deleted. VCF-style (leftmost placement, unchanged base first): chr19-1226615-ATCCGCCGGCT-A. GRCh37 (hg19) VCF-style: chr19-1226614-ATCCGCCGGCT-A.
Other names: short protein forms I424fs.
Identifiers: ClinVar variation 3641028 (VCV003641028.2).